The following is an entry in ClinVar:

NM_001278512.2(AP3B2):c.2094G>A (p.Ser698=)

Genes: AP3B2 (adaptor related protein complex 3 subunit beta 2; minus strand), CPEB1-AS1 (CPEB1 antisense RNA 1; plus strand). Cytogenetic location: 15q25.2.
Variant type: single nucleotide variant.
Coding change: c.2094G>A on transcript NM_001278512.2 (MANE Select); coding-DNA position 2094, G replaced by A.
Protein change: p.Ser698=; no amino-acid change (serine 698 retained).
Molecular consequence: synonymous variant.
Genome position (GRCh38, 1-based): chr15:82,664,878, C>T on the plus strand (G>A on the coding strand, the complement: AP3B2 is on the minus strand). VCF-style: chr15-82664878-C-T. GRCh37 (hg19) VCF-style: chr15-83333630-C-T.
Other names: c.1941G>A, p.Ser647= (NM_001278511.2); c.2037G>A, p.Ser679= (NM_004644.5).
Identifiers: ClinVar variation 1397109 (VCV001397109.15), dbSNP rs751702098, ClinGen allele CA7700017.

ClinVar aggregate classification (germline): Likely benign. Review status: criteria provided, multiple submitters, no conflicts (2 of 4 stars). 2 submissions from 2 submitters: Likely benign (2). Last evaluated 2026-01-01.

Allele frequency attached by ClinVar (database versions not stated): gnomAD 0.00001; TOPMed 0.00001; ExAC 0.00002; gnomAD exomes 0.00003.
gnomAD v4.1: 72 of 1,604,942 alleles (0.0045%); highest among the groups gnomAD compares: Middle Eastern, 0.016%; no homozygotes.

Submissions (2):

CeGaT Center for Human Genetics Tuebingen
Classification: Likely benign. Last evaluated: 2026-01-01. Review status: criteria provided, single submitter. Criteria: CeGaT Center For Human Genetics Tuebingen Variant Classification Criteria Version 2. Collection method: clinical testing. Allele origin: germline. Affected: yes. Observed: 2 variant alleles.
Comment: AP3B2: BP4, BP7

Labcorp Genetics (formerly Invitae), Labcorp
Classification: Likely benign. Last evaluated: 2025-09-27. Review status: criteria provided, single submitter. Criteria: Invitae Variant Classification Sherloc (09022015). Collection method: clinical testing. Allele origin: germline.